The following is an entry in ClinVar:

ClinVar aggregate classification (germline): Uncertain significance. Review status: criteria provided, multiple submitters, no conflicts (2 of 4 stars). 4 submissions from 4 submitters: Uncertain significance (3). 1 of the submissions does not count toward it. Last evaluated 2025-09-20.

Conditions:
Hereditary cancer-predisposing syndrome. Also called: Hereditary neoplastic syndrome; Tumor predisposition; Hereditary Cancer Syndrome; Neoplastic Syndromes, Hereditary. Identifiers: Orphanet 140162, MedGen C0027672, MeSH D009386, MONDO:0015356.
Bloom syndrome (BLM). Also called: Bloom-Torre-Machacek syndrome. Identifiers: Orphanet 125, MedGen C0005859, MONDO:0008876, OMIM 210900.

Allele frequency attached by ClinVar (database versions not stated): TOPMed below 0.00001.
gnomAD v4.1: 3 of 1,612,038 alleles (0.00019%); highest among the groups gnomAD compares: Admixed American, 0.0017%; no homozygotes.

Submissions (4):

Ambry Genetics
Classification: Uncertain significance for Hereditary cancer-predisposing syndrome. Last evaluated: 2025-09-20. Review status: criteria provided, single submitter. Criteria: Ambry Variant Classification Scheme 2023. Collection method: clinical testing. Allele origin: germline.
Comment: The p.G1096V variant (also known as c.3287G>T), located in coding exon 16 of the BLM gene, results from a G to T substitution at nucleotide position 3287. The glycine at codon 1096 is replaced by valine, an amino acid with dissimilar properties. This amino acid position is well conserved in available vertebrate species. In addition, this alteration is predicted to be tolerated by in silico analysis. Since supporting evidence is limited at this time, the clinical significance of this alteration remains unclear.

Dasa
Classification: Uncertain significance. Last evaluated: 2025-06-06. Review status: criteria provided, single submitter. Criteria: DASA Assertion Criteria. Collection method: clinical testing. Allele origin: germline.
Comment: NM_000057.4(BLM):c.3287G>T (p.Gly1096Val) is a missense variant that results in the substitution of glycine with valine. Published studies describe this variant in association with related phenotype (PMID: 30523343). Also, this variant is rare in population databases. Computational prediction algorithms are consistent with a benign effect. The currently available literature and clinical evidence are not sufficient to establish a definitive association between this variant and the reported condition. Therefore, this variant is classified as a variant of uncertain significance.

Labcorp Genetics (formerly Invitae), Labcorp
Classification: Uncertain significance for Bloom syndrome. Last evaluated: 2022-09-01. Review status: criteria provided, single submitter. Criteria: Invitae Variant Classification Sherloc (09022015). Collection method: clinical testing. Allele origin: germline.
Comment: This sequence change replaces glycine, which is neutral and non-polar, with valine, which is neutral and non-polar, at codon 1096 of the BLM protein (p.Gly1096Val). This variant is present in population databases (no rsID available, gnomAD 0.007%). This variant has not been reported in the literature in individuals affected with BLM-related conditions. ClinVar contains an entry for this variant (Variation ID: 405310). Algorithms developed to predict the effect of missense changes on protein structure and function are either unavailable or do not agree on the potential impact of this missense change (SIFT: "Tolerated"; PolyPhen-2: "Possibly Damaging"; Align-GVGD: "Class C0"). Algorithms developed to predict the effect of sequence changes on RNA splicing suggest that this variant may create or strengthen a splice site. In summary, the available evidence is currently insufficient to determine the role of this variant in disease. Therefore, it has been classified as a Variant of Uncertain Significance.

Natera, Inc.
Classification: Uncertain significance for Bloom syndrome. Last evaluated: 2020-09-16. Review status: no assertion criteria provided. Collection method: clinical testing. Allele origin: germline. Not counted in ClinVar's aggregate classification.

Literature cited by the submitters: PubMed 30523343 (cited by Dasa).

NM_000057.4(BLM):c.3287G>T (p.Gly1096Val)

Gene: BLM (BLM RecQ like helicase; plus strand). Cytogenetic location: 15q26.1.
Variant type: single nucleotide variant.
Coding change: c.3287G>T on transcript NM_000057.4 (MANE Select); coding-DNA position 3287, G replaced by T.
Protein change: p.Gly1096Val; replaces glycine 1096 with valine.
Molecular consequence: missense variant.
Genome position (GRCh38, 1-based): chr15:90,798,266, G>T. VCF-style: chr15-90798266-G-T. GRCh37 (hg19) VCF-style: chr15-91341496-G-T.
Other names: c.3287G>T, p.Gly1096Val (NM_001287246.2, NM_001287247.2); c.2162G>T, p.Gly721Val (NM_001287248.2); c.3287G>T (NM_000057.2); short protein forms G1096V, G721V.
Identifiers: ClinVar variation 405310 (VCV000405310.11), dbSNP rs893352310, ClinGen allele CA16614970.